The following is an entry in ClinVar:

NM_145290.4(ADGRA3):c.3257C>T (p.Ala1086Val)

Gene: ADGRA3 (adhesion G protein-coupled receptor A3; minus strand). Cytogenetic location: 4p15.2.
Variant type: single nucleotide variant.
Coding change: c.3257C>T on transcript NM_145290.4 (MANE Select); coding-DNA position 3257, C replaced by T.
Protein change: p.Ala1086Val; replaces alanine 1086 with valine.
Molecular consequence: missense variant.
Genome position (GRCh38, 1-based): chr4:22,388,414, G>A on the plus strand (C>T on the coding strand, the complement: ADGRA3 is on the minus strand). VCF-style: chr4-22388414-G-A. GRCh37 (hg19) VCF-style: chr4-22390037-G-A.
Other names: short protein forms A1086V.
Identifiers: ClinVar variation 960802 (VCV000960802.9), dbSNP rs1035414702, ClinGen allele CA93480438.

ClinVar aggregate classification (germline): Uncertain significance (1 of 4 stars; one submission).

Allele frequency attached by ClinVar (database versions not stated): gnomAD 0.00001; TOPMed 0.00001; gnomAD exomes 0.00002.
gnomAD v4.1: 10 of 1,613,934 alleles (0.00062%); highest among the groups gnomAD compares: African/African-American, 0.0013%; no homozygotes.

Submission:

Labcorp Genetics (formerly Invitae), Labcorp
Classification: Uncertain significance. Last evaluated: 2022-03-03. Review status: criteria provided, single submitter. Criteria: Invitae Variant Classification Sherloc (09022015). Collection method: clinical testing. Allele origin: germline.
Comment: This sequence change replaces alanine, which is neutral and non-polar, with valine, which is neutral and non-polar, at codon 1086 of the ADGRA3 protein (p.Ala1086Val). This variant is present in population databases (no rsID available, gnomAD 0.04%). This variant has not been reported in the literature in individuals affected with ADGRA3-related conditions. ClinVar contains an entry for this variant (Variation ID: 960802). Algorithms developed to predict the effect of missense changes on protein structure and function are either unavailable or do not agree on the potential impact of this missense change (SIFT: "Deleterious"; PolyPhen-2: "Benign"; Align-GVGD: "Class C0"). Algorithms developed to predict the effect of sequence changes on RNA splicing suggest that this variant may create or strengthen a splice site. In summary, the available evidence is currently insufficient to determine the role of this variant in disease. Therefore, it has been classified as a Variant of Uncertain Significance.